The following is an entry in ClinVar:

ClinVar aggregate classification (germline): Uncertain significance (1 of 4 stars; one submission).

Allele frequency attached by ClinVar (database versions not stated): ExAC 0.00001; gnomAD exomes below 0.00001.

Submission:

Labcorp Genetics (formerly Invitae), Labcorp
Classification: Uncertain significance. Last evaluated: 2022-06-09. Review status: criteria provided, single submitter. Criteria: Invitae Variant Classification Sherloc (09022015). Collection method: clinical testing. Allele origin: germline.
Comment: In summary, the available evidence is currently insufficient to determine the role of this variant in disease. Therefore, it has been classified as a Variant of Uncertain Significance. Algorithms developed to predict the effect of sequence changes on RNA splicing suggest that this variant may create or strengthen a splice site. This sequence change replaces alanine, which is neutral and non-polar, with valine, which is neutral and non-polar, at codon 67 of the TYRP1 protein (p.Ala67Val). This variant is present in population databases (rs775129872, gnomAD 0.003%). This variant has not been reported in the literature in individuals affected with TYRP1-related conditions. Algorithms developed to predict the effect of missense changes on protein structure and function output the following: SIFT: "Tolerated"; PolyPhen-2: "Benign"; Align-GVGD: "Class C0". The valine amino acid residue is found in multiple mammalian species, which suggests that this missense change does not adversely affect protein function.

NM_000550.3(TYRP1):c.200C>T (p.Ala67Val)

Gene: TYRP1 (tyrosinase related protein 1; plus strand). Cytogenetic location: 9p23.
Variant type: single nucleotide variant.
Coding change: c.200C>T on transcript NM_000550.3 (MANE Select); coding-DNA position 200, C replaced by T.
Protein change: p.Ala67Val; replaces alanine 67 with valine.
Molecular consequence: missense variant.
Genome position (GRCh38, 1-based): chr9:12,694,196, C>T. VCF-style: chr9-12694196-C-T. GRCh37 (hg19) VCF-style: chr9-12694196-C-T.
Other names: short protein forms A67V.
Identifiers: ClinVar variation 1505225 (VCV001505225.4), dbSNP rs775129872, ClinGen allele CA4985143.